The following is an entry in ClinVar:

NM_007055.4(POLR3A):c.3436G>A (p.Ala1146Thr)

Gene: POLR3A (RNA polymerase III subunit A; minus strand). Cytogenetic location: 10q22.3.
Variant type: single nucleotide variant.
Coding change: c.3436G>A on transcript NM_007055.4 (MANE Select); coding-DNA position 3436, G replaced by A.
Protein change: p.Ala1146Thr; replaces alanine 1146 with threonine.
Molecular consequence: missense variant.
Genome position (GRCh38, 1-based): chr10:77,982,811, C>T on the plus strand (G>A on the coding strand, the complement: POLR3A is on the minus strand). VCF-style: chr10-77982811-C-T. GRCh37 (hg19) VCF-style: chr10-79742569-C-T.
Other names: short protein forms A1146T.
Identifiers: ClinVar variation 203362 (VCV000203362.55), dbSNP rs41274600, ClinGen allele CA275489.
Genomic context (GRCh38, chr10:77,982,811, plus strand): 5'-CCACATCACCGGGCTTCACACGGAGCTTGGATGTGCAGATGGAATATCTCACTGTCTCAG[C>T]GTTCACCTGCAACATGGCCAGGTGTAGGTGTTACTGATTCCAGTGTTGTTCTTCGTTTAT-3'
Protein context (NP_008986.2, residues 1136-1156): RIRLLRLEVN[Ala1146Thr]ETVRYSICTS

ClinVar aggregate classification (germline): Conflicting classifications of pathogenicity. Review status: criteria provided, conflicting classifications (1 of 4 stars). 5 submissions from 5 submitters: Uncertain significance (2); Likely benign (1). 2 of the submissions do not count toward it. Last evaluated 2026-02-01.

Conditions:
POLR3A-related disorder. Also called: POLR3A-related disorders; POLR3A-related condition. Identifiers: MedGen CN378587, MONDO:0700276.
Leukodystrophy, hypomyelinating, 7, with or without oligodontia and/or hypogonadotropic hypogonadism (HLD7). Also called: LEUKOENCEPHALOPATHY, HYPOMYELINATING, WITH ATAXIA AND DELAYED DENTITION; ATAXIA, DELAYED DENTITION, AND HYPOMYELINATION; LEUKODYSTROPHY, HYPOMYELINATING, 7, WITH OLIGODONTIA; LEUKODYSTROPHY, HYPOMYELINATING, 7, WITH OLIGODONTIA AND HYPOGONADOTROPIC HYPOGONADISM; LEUKODYSTROPHY, HYPOMYELINATING, 7, WITHOUT OLIGODONTIA OR HYPOGONADOTROPIC HYPOGONADISM; Ataxia, Delayed Dentition and Hypomyelination (ADDH). Identifiers: Orphanet 137639, Orphanet 447893, Orphanet 447896, Orphanet 77295, Orphanet 88637, MedGen CN034185, MONDO:0011897, OMIM 607694.

Allele frequency attached by ClinVar (database versions not stated): TOPMed 0.00057; ESP Exome Variant Server 0.00062; gnomAD exomes 0.00072; ExAC 0.00075; gnomAD 0.00083; 1000 Genomes Project 30x 0.00094; 1000 Genomes Project 0.00100.
gnomAD v4.1: 1,698 of 1,613,928 alleles (0.11%); highest among the groups gnomAD compares: Non-Finnish European, 0.12%; 1 homozygote.

Submissions (5):

Labcorp Genetics (formerly Invitae), Labcorp
Classification: Likely benign. Last evaluated: 2026-02-01. Review status: criteria provided, single submitter. Criteria: Invitae Variant Classification Sherloc (09022015). Collection method: clinical testing. Allele origin: germline.

CeGaT Center for Human Genetics Tuebingen
Classification: Uncertain significance. Last evaluated: 2024-02-01. Review status: criteria provided, single submitter. Criteria: CeGaT Center For Human Genetics Tuebingen Variant Classification Criteria Version 2. Collection method: clinical testing. Allele origin: germline. Affected: yes. Observed: 2 variant alleles.

Illumina Laboratory Services, Illumina
Classification: Uncertain significance for Leukodystrophy, hypomyelinating, 7, with or without oligodontia and/or hypogonadotropic hypogonadism. Last evaluated: 2018-01-13. Review status: criteria provided, single submitter. Criteria: ICSL Variant Classification Criteria 13 December 2019. Collection method: clinical testing. Allele origin: germline.

PreventionGenetics, part of Exact Sciences
Classification: Likely benign for POLR3A-related condition. Last evaluated: 2023-02-03. Review status: no assertion criteria provided. Collection method: clinical testing. Allele origin: germline. Not counted in ClinVar's aggregate classification.
Comment: This variant is classified as likely benign based on ACMG/AMP sequence variant interpretation guidelines (Richards et al. 2015 PMID: 25741868, with internal and published modifications).

Division of Human Genetics, Children's Hospital of Philadelphia
Classification: Uncertain significance for Hypomyelinating leukodystrophy-7. Last evaluated: 2014-12-12. Review status: no assertion criteria provided. Collection method: research. Allele origin: maternal. Affected: yes. Study: CSER-PediSeq. Not counted in ClinVar's aggregate classification.
Comment: The POLR3A variant (c.416G>A; p.Arg139His) observed in this patient is a novel change occurring at very low frequencies in control population (0.07% in ExAC) in a highly conserved amino acid position. The clinical significance of this variant is unknown.